The following is an entry in ClinVar:

NM_000089.4(COL1A2):c.790A>G (p.Lys264Glu)

Gene: COL1A2 (collagen type I alpha 2 chain; plus strand). Cytogenetic location: 7q21.3.
Variant type: single nucleotide variant.
Coding change: c.790A>G on transcript NM_000089.4 (MANE Select); coding-DNA position 790, A replaced by G.
Protein change: p.Lys264Glu; replaces lysine 264 with glutamic acid.
Molecular consequence: missense variant.
Genome position (GRCh38, 1-based): chr7:94,408,821, A>G. VCF-style: chr7-94408821-A-G. GRCh37 (hg19) VCF-style: chr7-94038133-A-G.
Other names: short protein forms K264E.
Identifiers: ClinVar variation 1761166 (VCV001761166.6), dbSNP rs1282368254, ClinGen allele CA368220524.

ClinVar aggregate classification (germline): Uncertain significance. Review status: criteria provided, multiple submitters, no conflicts (2 of 4 stars). 3 submissions from 3 submitters: Uncertain significance (3). Last evaluated 2025-03-16.

Conditions:
Cardiovascular phenotype. Identifiers: MedGen CN230736.
Ehlers-Danlos syndrome, classic type, 1 (EDSCL1). Also called: Ehlers-Danlos syndrome, type 1; Ehlers-Danlos Syndrome, Classic Type, COL5A1-Related; EDS I; EHLERS-DANLOS SYNDROME, GRAVIS TYPE; EHLERS-DANLOS SYNDROME, SEVERE CLASSIC TYPE. Identifiers: MedGen C0268335, MONDO:0019567, OMIM 130000.
Osteogenesis imperfecta type I (OI1). Also called: Osteogenesis imperfecta type 1; Lobstein's Disease; Lobstein disease; OI, TYPE I; OSTEOGENESIS IMPERFECTA TARDA; OSTEOGENESIS IMPERFECTA WITH BLUE SCLERAE. Identifiers: Orphanet 216796, Orphanet 666, MedGen C0023931, MONDO:0008146, OMIM 166200. Disease mechanism: loss of function.

Allele frequency attached by ClinVar (database versions not stated): gnomAD 0.00001; gnomAD exomes below 0.00001; TOPMed 0.00001.
gnomAD v4.1: 5 of 1,614,032 alleles (0.00031%); highest among the groups gnomAD compares: Non-Finnish European, 0.00042%; no homozygotes.

Submissions (3):

Labcorp Genetics (formerly Invitae), Labcorp
Classification: Uncertain significance for Osteogenesis imperfecta type I; Ehlers-Danlos syndrome, classic type, 1. Last evaluated: 2025-03-16. Review status: criteria provided, single submitter. Criteria: Invitae Variant Classification Sherloc (09022015). Collection method: clinical testing. Allele origin: germline.
Comment: This sequence change replaces lysine, which is basic and polar, with glutamic acid, which is acidic and polar, at codon 264 of the COL1A2 protein (p.Lys264Glu). This variant is present in population databases (no rsID available, gnomAD 0.003%). This variant has not been reported in the literature in individuals affected with COL1A2-related conditions. ClinVar contains an entry for this variant (Variation ID: 1761166). Experimental studies and prediction algorithms are not available or were not evaluated, and the functional significance of this variant is currently unknown. In summary, the available evidence is currently insufficient to determine the role of this variant in disease. Therefore, it has been classified as a Variant of Uncertain Significance.

Women's Health and Genetics/Laboratory Corporation of America, LabCorp
Classification: Uncertain significance. Last evaluated: 2025-02-12. Review status: criteria provided, single submitter. Criteria: LabCorp Variant Classification Summary - May 2015. Collection method: clinical testing. Allele origin: germline.
Comment: Variant summary: COL1A2 c.790A>G (p.Lys264Glu) results in a conservative amino acid change in the encoded protein sequence. Four of five in-silico tools predict a damaging effect of the variant on protein function. The variant allele was found at a frequency of 1.2e-05 in 251382 control chromosomes. The available data on variant occurrences in the general population are insufficient to allow any conclusion about variant significance. To our knowledge, no occurrence of c.790A>G in individuals affected with Ehlers-Danlos syndrome, cardiac valvular type and no experimental evidence demonstrating its impact on protein function have been reported. ClinVar contains an entry for this variant (Variation ID: 1761166). Based on the evidence outlined above, the variant was classified as uncertain significance.

Ambry Genetics
Classification: Uncertain significance for Cardiovascular phenotype. Last evaluated: 2019-06-14. Review status: criteria provided, single submitter. Criteria: Ambry Variant Classification Scheme 2023. Collection method: clinical testing. Allele origin: germline.
Comment: The p.K264E variant (also known as c.790A>G), located in coding exon 16 of the COL1A2 gene, results from an A to G substitution at nucleotide position 790. The lysine at codon 264 is replaced by glutamic acid, an amino acid with similar properties. This amino acid position is highly conserved in available vertebrate species. In addition, the in silico prediction by BayesDel for this alteration is inconclusive. Since supporting evidence is limited at this time, the clinical significance of this alteration remains unclear.